The following is an entry in ClinVar:

NM_004385.5(VCAN):c.4004-2A>G

Genes: VCAN (versican; plus strand), VCAN-AS1 (VCAN antisense RNA 1; minus strand). Cytogenetic location: 5q14.3.
Variant type: single nucleotide variant.
Coding change: c.4004-2A>G on transcript NM_004385.5 (MANE Select); the canonical splice acceptor site of the intron before coding-DNA position 4004, A replaced by G.
Molecular consequence: splice acceptor variant. On other transcripts: intron variant (2).
Genome position (GRCh38, 1-based): chr5:83,537,005, A>G. VCF-style: chr5-83537005-A-G. GRCh37 (hg19) VCF-style: chr5-82832824-A-G.
Other names: IVS7AS, A-G, -2; c.4004-8532A>G (NM_001164098.2); c.1043-2A>G (NM_001164097.2); c.1043-8532A>G (NM_001126336.3).
Identifiers: ClinVar variation 17494 (VCV000017494.13), dbSNP rs80356555, ClinGen allele CA341462.

ClinVar aggregate classification (germline): Pathogenic. Review status: criteria provided, multiple submitters, no conflicts (2 of 4 stars). 5 submissions from 5 submitters: Pathogenic (3). 2 of the submissions do not count toward it. Last evaluated 2023-03-17.

Conditions:
VCAN-related disorder. Also called: VCAN-related condition.
Inborn genetic diseases. Identifiers: MedGen C0950123, MeSH D030342.
Wagner disease. Also called: WAGNER SYNDROME 1; Wagner syndrome; HYALOIDEORETINAL DEGENERATION OF WAGNER; WAGNER VITREORETINOPATHY; WAGNER VITREORETINAL DEGENERATION; Wagner Vitreoretinal Degeneration (Wagner Synrdome). Identifiers: Orphanet 898, MedGen C1840452, MONDO:0007740, OMIM 143200.

Submissions (5):

Labcorp Genetics (formerly Invitae), Labcorp
Classification: Pathogenic. Last evaluated: 2023-03-17. Review status: criteria provided, single submitter. Criteria: Invitae Variant Classification Sherloc (09022015). Collection method: clinical testing. Allele origin: germline.
Comment: This variant is not present in population databases (gnomAD no frequency). Disruption of this splice site has been observed in individuals with Wagner syndrome (PMID: 16043844, 21738396). It has also been observed to segregate with disease in related individuals. ClinVar contains an entry for this variant (Variation ID: 17494). Studies have shown that disruption of this splice site results in the activation of a cryptic splice site in exon 8 (PMID: 16043844, 16877430, 21738396). For these reasons, this variant has been classified as Pathogenic. This sequence change affects an acceptor splice site in intron 7 of the VCAN gene. RNA analysis indicates that disruption of this splice site induces altered splicing and likely results in the loss of 13 amino acid residue(s), but is expected to preserve the integrity of the reading-frame.

Blueprint Genetics
Classification: Pathogenic for VCAN-related disorders. Last evaluated: 2022-05-18. Review status: criteria provided, single submitter. Criteria: ACMG Guidelines, 2015. Collection method: clinical testing. Allele origin: germline. Affected: yes. Observed: 1 variant allele.

Ambry Genetics
Classification: Pathogenic for Inborn genetic diseases. Last evaluated: 2019-05-10. Review status: criteria provided, single submitter. Criteria: Ambry exome assertion method (8-5-2015). Collection method: clinical testing. Allele origin: germline. Affected: yes. Observed: 1 variant allele.

OMIM
Classification: Pathogenic for WAGNER VITREORETINOPATHY. Last evaluated: 2005-08-01. Review status: no assertion criteria provided. Collection method: literature only. Allele origin: germline. Not counted in ClinVar's aggregate classification.

GeneReviews
No classification provided. Condition: Wagner disease. Review status: no classification provided. Collection method: literature only. Allele origin: germline. Affected: yes. Not counted in ClinVar's aggregate classification.

Literature cited by the submitters: PubMed 16043844 (cited by 4 submitters); PubMed 21738396 (cited by 3 submitters); PubMed 16877430 (cited by Labcorp Genetics (formerly Invitae), Labcorp and Ambry Genetics); PubMed 22739342 (cited by Ambry Genetics); NCBI Bookshelf NBK3821 (cited by GeneReviews).